The following is an entry in ClinVar:

NM_001128205.2(SULF1):c.1642G>A (p.Val548Ile)

Gene: SULF1 (sulfatase 1; plus strand). Cytogenetic location: 8q13.3.
Variant type: single nucleotide variant.
Coding change: c.1642G>A on transcript NM_001128205.2 (MANE Select); coding-DNA position 1642, G replaced by A.
Protein change: p.Val548Ile; replaces valine 548 with isoleucine.
Molecular consequence: missense variant. On other transcripts: 5 prime UTR variant (1), non-coding transcript variant (7).
Genome position (GRCh38, 1-based): chr8:69,623,989, G>A. VCF-style: chr8-69623989-G-A. GRCh37 (hg19) VCF-style: chr8-70536224-G-A.
Other names: c.1642G>A, p.Val548Ile (NM_001128204.2, NM_001128206.2, NM_001412828.1 and 10 more transcripts); c.1513G>A, p.Val505Ile (NM_001412832.1, NM_001412838.1, NM_001412839.1 and 1 more transcripts); c.1585G>A, p.Val529Ile (NM_001412836.1, NM_001412837.1); c.1456G>A, p.Val486Ile (NM_001412841.1, NM_001412842.1); c.1042G>A, p.Val348Ile (NM_001412844.1, NM_001412845.1); c.-150G>A (NM_001412846.1); short protein forms V348I, V548I, V529I, V486I, V505I.
Identifiers: ClinVar variation 2887048 (VCV002887048.3), dbSNP rs762476310, ClinGen allele CA4775943.

ClinVar aggregate classification (germline): Uncertain significance (1 of 4 stars; one submission).

gnomAD v4.1: 20 of 1,614,034 alleles (0.0012%); highest among the groups gnomAD compares: Middle Eastern, 0.016%; no homozygotes.

Submission:

Labcorp Genetics (formerly Invitae), Labcorp
Classification: Uncertain significance. Last evaluated: 2023-12-07. Review status: criteria provided, single submitter. Criteria: Invitae Variant Classification Sherloc (09022015). Collection method: clinical testing. Allele origin: germline.
Comment: This sequence change replaces valine, which is neutral and non-polar, with isoleucine, which is neutral and non-polar, at codon 548 of the SULF1 protein (p.Val548Ile). This variant is present in population databases (rs762476310, gnomAD 0.006%). This variant has not been reported in the literature in individuals affected with SULF1-related conditions. An algorithm developed to predict the effect of missense changes on protein structure and function (PolyPhen-2) suggests that this variant is likely to be tolerated. In summary, the available evidence is currently insufficient to determine the role of this variant in disease. Therefore, it has been classified as a Variant of Uncertain Significance.